The following is an entry in ClinVar:

ClinVar aggregate classification (germline): Pathogenic (1 of 4 stars; one submission).

Conditions:
Myoclonic dystonia 11 (DYT11). Also called: DYT-SGCE; Myoclonic dystonia; Dystonia 11; Dystonia, alcohol responsive; Hereditary essential myoclonus; SGCE Myoclonus-Dystonia. Identifiers: Orphanet 36899, MedGen C1834570, MONDO:0008044, OMIM 159900.

Submission:

Labcorp Genetics (formerly Invitae), Labcorp
Classification: Pathogenic for Myoclonic dystonia 11. Last evaluated: 2021-09-05. Review status: criteria provided, single submitter. Criteria: Invitae Variant Classification Sherloc (09022015). Collection method: clinical testing. Allele origin: germline.
Comment: For these reasons, this variant has been classified as Pathogenic. A similar copy number variant has been observed in individual(s) with dystonia (PMID: 25406829). This variant is a gross deletion of the genomic region encompassing exon(s) 4-5 of the SGCE gene. This deletion is out-of-frame, and is expected to create a premature termination codon and result in an absent or disrupted protein product. Loss-of-function variants in SGCE are known to be pathogenic (PMID: 12821748, 15389977, 17853490, 24297365).

Literature cited by the submitters: PubMed 25406829; PubMed 12821748; PubMed 15389977; PubMed 17853490; PubMed 24297365.

NC_000007.13:g.(?_94248050)_(94252729_?)del

Gene: SGCE (sarcoglycan epsilon; minus strand). Cytogenetic location: 7q21.3.
Variant type: Deletion.
Identifiers: ClinVar variation 1458211 (VCV001458211.4).